The following is an entry in ClinVar:

NM_012154.5(AGO2):c.899G>A (p.Ser300Asn)

Genes: AGO2 (argonaute RISC catalytic component 2; minus strand), LOC126860544 (MED14-independent group 3 enhancer GRCh37_chr8:141567119-141568318; plus strand). Cytogenetic location: 8q24.3.
Variant type: single nucleotide variant.
Coding change: c.899G>A on transcript NM_012154.5 (MANE Select); coding-DNA position 899, G replaced by A.
Protein change: p.Ser300Asn; replaces serine 300 with asparagine.
Molecular consequence: missense variant.
Genome position (GRCh38, 1-based): chr8:140,557,216, C>T on the plus strand (G>A on the coding strand, the complement: AGO2 is on the minus strand). VCF-style: chr8-140557216-C-T. GRCh37 (hg19) VCF-style: chr8-141567315-C-T.
Other names: c.899G>A, p.Ser300Asn (NM_001164623.3); short protein forms S300N.
Identifiers: ClinVar variation 1696492 (VCV001696492.1), dbSNP rs2132931555, ClinGen allele CA372322517.

ClinVar aggregate classification (germline): Uncertain significance (1 of 4 stars; one submission).

Conditions:
Lessel-Kreienkamp syndrome. Identifiers: MedGen C5436892, MONDO:0030897, OMIM 619149.

Submission:

New York Genome Center
Classification: Uncertain significance for Lessel-Kreienkamp syndrome. Last evaluated: 2021-07-02. Review status: criteria provided, single submitter. Criteria: NYGC Assertion Criteria 2020. Collection method: clinical testing. Allele origin: germline. Observed: 1 heterozygote. Study: CSER-NYCKidSeq.
Comment: The c.899G>A (p.Ser300Asn) variant identified in the AGO2 gene substitutes a moderately conserved Serine for Asparagine at amino acid 300/860 (exon 8/19). This variant is absent from gnomAD(v3.1.1) suggesting it is not a common benign variant in the populations represented in that database. In silico algorithms predict this variant to be Tolerated (SIFT; score:0.909) and Benign (REVEL; score:0.114) to the function of the canonical transcript. This variant is absent from ClinVar and to our current knowledge has not been reported in affected individuals in the literature. The p.Ser300 residue is with in the Piwi/Argonaute/Zwille(PAZ) domain of AGO2, though variants in this domain are not enriched in affected individuals [PMID:33199684]. Given the lack of compelling evidence for its pathogenicity, the c.899G>A (p.Ser300Asn) variant identified in the AGO2 gene is reported as a Variant of Uncertain Significance.